The following is an entry in ClinVar:

NM_015346.4(ZFYVE26):c.69C>A (p.Cys23Ter)

Gene: ZFYVE26 (zinc finger FYVE-type containing 26; minus strand). Cytogenetic location: 14q24.1.
Variant type: single nucleotide variant.
Coding change: c.69C>A on transcript NM_015346.4 (MANE Select); coding-DNA position 69, C replaced by A.
Protein change: p.Cys23Ter; replaces cysteine 23 with a stop codon.
Molecular consequence: nonsense.
Genome position (GRCh38, 1-based): chr14:67,815,895, G>T on the plus strand (C>A on the coding strand, the complement: ZFYVE26 is on the minus strand). VCF-style: chr14-67815895-G-T. GRCh37 (hg19) VCF-style: chr14-68282612-G-T.
Other names: short protein forms C23*.
Identifiers: ClinVar variation 2756883 (VCV002756883.3), dbSNP rs2502898182, ClinGen allele CA390164841.
Genomic context (GRCh38, chr14:67,815,895, plus strand): 5'-TTGTCCCTCCTGTAGCTGAGGTACACATGCCTGTGCCAGCTCCCATTCTCCCCTCCGCAG[G>T]CATTCGCAGAAAAATCCAAAAAGCTGCTTCTGCGAAGCAGCTTCCTCTTTTCCAAATGGA-3'

ClinVar aggregate classification (germline): Pathogenic (1 of 4 stars; one submission).

Conditions:
Spastic paraplegia. Identifiers: MedGen C0037772, HP:0001258.

Submission:

Labcorp Genetics (formerly Invitae), Labcorp
Classification: Pathogenic for Spastic paraplegia. Last evaluated: 2023-08-31. Review status: criteria provided, single submitter. Criteria: Invitae Variant Classification Sherloc (09022015). Collection method: clinical testing. Allele origin: germline.
Comment: This sequence change creates a premature translational stop signal (p.Cys23*) in the ZFYVE26 gene. It is expected to result in an absent or disrupted protein product. Loss-of-function variants in ZFYVE26 are known to be pathogenic (PMID: 18394578, 19805727). This variant is not present in population databases (gnomAD no frequency). This variant has not been reported in the literature in individuals affected with ZFYVE26-related conditions. For these reasons, this variant has been classified as Pathogenic.

Literature cited by the submitters: PubMed 18394578; PubMed 19805727.